The following is an entry in ClinVar:

NM_004415.4(DSP):c.4515G>C (p.Ala1505=)

Gene: DSP (desmoplakin; plus strand). Cytogenetic location: 6p24.3.
Variant type: single nucleotide variant.
Coding change: c.4515G>C on transcript NM_004415.4 (MANE Select); coding-DNA position 4515, G replaced by C.
Protein change: p.Ala1505=; no amino-acid change (alanine 1505 retained).
Molecular consequence: synonymous variant. On other transcripts: intron variant (2).
Genome position (GRCh38, 1-based): chr6:7,580,705, G>C. VCF-style: chr6-7580705-G-C. GRCh37 (hg19) VCF-style: chr6-7580938-G-C.
Other names: c.4050+465G>C (NM_001319034.2); c.3582+933G>C (NM_001008844.3).
Identifiers: ClinVar variation 3071992 (VCV003071992.6), dbSNP rs193197554, ClinGen allele CA041839.
Genomic context (GRCh38, chr6:7,580,705, plus strand): 5'-GTTAAAACAACTGATCGACAAAGAAACAAATGACCGGAAATGCCTGGAAGATGAAAACGC[G>C]AGATTACAAAGGGTCCAGTATGACCTGCAGAAAGCAAACAGTAGTGCGACGGAGACAATA-3'
Protein context (NP_004406.2, residues 1495-1515): NDRKCLEDEN[Ala1505=]RLQRVQYDLQ

ClinVar aggregate classification (germline): Benign/Likely benign. Review status: criteria provided, multiple submitters, no conflicts (2 of 4 stars). 5 submissions from 5 submitters: Benign (1); Likely benign (4). Last evaluated 2025-11-24.

Conditions:
Cardiomyopathy (CMYO). Also called: Cardiomyopathies. Identifiers: Orphanet 167848, MedGen C0878544, MONDO:0004994, HP:0001638. Inheritance: Various modes of inheritance.
Cardiovascular phenotype. Identifiers: MedGen CN230736.
Arrhythmogenic right ventricular dysplasia 8 (ARVD8). Also called: Arrhythmogenic Right Ventricular Dysplasia/Cardiomyopathy 8; ARRHYTHMOGENIC RIGHT VENTRICULAR DYSPLASIA, FAMILIAL, 8; ARRHYTHMOGENIC RIGHT VENTRICULAR CARDIOMYOPATHY 8. Identifiers: MedGen C1843896, MONDO:0011831, OMIM 607450.
Arrhythmogenic cardiomyopathy with wooly hair and keratoderma. Also called: Dilated cardiomyopathy with woolly hair and keratoderma; Arrhythmogenic cardiomyopathy with woolly hair and keratoderma; PALMOPLANTAR KERATODERMA WITH LEFT VENTRICULAR CARDIOMYOPATHY AND WOOLLY HAIR; Carvajal syndrome. Identifiers: Orphanet 65282, MedGen C1854063, MONDO:0011581, OMIM 605676.

gnomAD v4.1: 162 of 1,613,928 alleles (0.01%); highest among the groups gnomAD compares: Non-Finnish European, 0.00085%; no homozygotes.

Submissions (5):

Labcorp Genetics (formerly Invitae), Labcorp
Classification: Benign for Arrhythmogenic cardiomyopathy with wooly hair and keratoderma; Arrhythmogenic right ventricular dysplasia 8. Last evaluated: 2025-11-24. Review status: criteria provided, single submitter. Criteria: Invitae Variant Classification Sherloc (09022015). Collection method: clinical testing. Allele origin: germline.

Blueprint Genetics
Classification: Likely benign. Last evaluated: 2024-11-21. Review status: criteria provided, single submitter. Criteria: ACMG Guidelines, 2015. Collection method: clinical testing. Allele origin: germline.

Ambry Genetics
Classification: Likely benign for Cardiovascular phenotype. Last evaluated: 2024-07-11. Review status: criteria provided, single submitter. Criteria: Ambry Variant Classification Scheme 2023. Collection method: clinical testing. Allele origin: germline.

All of Us Research Program, National Institutes of Health
Classification: Likely benign for Arrhythmogenic cardiomyopathy with wooly hair and keratoderma. Last evaluated: 2023-06-26. Review status: criteria provided, single submitter. Criteria: ACMG Guidelines, 2015. Collection method: clinical testing. Allele origin: germline. Inheritance: Autosomal dominant inheritance. Observed: 1 variant allele, 1 heterozygote.
Comment: This study involves interpretation of variants in research participants for the purpose of population health screening. Participant phenotype was not available at the time of variant classification. Additional details can be found in publication PMID: 35346344, PMCID: PMC8962531

Color Diagnostics, LLC DBA Color Health
Classification: Likely benign for Cardiomyopathy. Last evaluated: 2022-11-06. Review status: criteria provided, single submitter. Criteria: ACMG Guidelines, 2015. Collection method: clinical testing. Allele origin: germline.